The following is an entry in ClinVar:

ClinVar aggregate classification (germline): Uncertain significance (1 of 4 stars; one submission).

Conditions:
Developmental and epileptic encephalopathy, 37 (DEE37). Also called: Epileptic encephalopathy, early infantile, 37. Identifiers: MedGen C4310770, MONDO:0014859, OMIM 616981.

Submission:

Labcorp Genetics (formerly Invitae), Labcorp
Classification: Uncertain significance for Developmental and epileptic encephalopathy, 37. Last evaluated: 2022-02-10. Review status: criteria provided, single submitter. Criteria: Invitae Variant Classification Sherloc (09022015). Collection method: clinical testing. Allele origin: germline.
Comment: ClinVar contains an entry for this variant (Variation ID: 960036). In summary, the available evidence is currently insufficient to determine the role of this variant in disease. Therefore, it has been classified as a Variant of Uncertain Significance. Algorithms developed to predict the effect of missense changes on protein structure and function (SIFT, PolyPhen-2, Align-GVGD) all suggest that this variant is likely to be tolerated. This variant has not been reported in the literature in individuals affected with FRRS1L-related conditions. This variant is not present in population databases (gnomAD no frequency). This sequence change replaces glutamic acid, which is acidic and polar, with aspartic acid, which is acidic and polar, at codon 186 of the FRRS1L protein (p.Glu186Asp).

NM_014334.4(FRRS1L):c.405G>C (p.Glu135Asp)

Gene: FRRS1L (ferric chelate reductase 1 like; minus strand). Cytogenetic location: 9q31.3.
Variant type: single nucleotide variant.
Coding change: c.405G>C on transcript NM_014334.4 (MANE Select); coding-DNA position 405, G replaced by C.
Protein change: p.Glu135Asp; replaces glutamic acid 135 with aspartic acid.
Molecular consequence: missense variant.
Genome position (GRCh38, 1-based): chr9:109,147,108, C>G on the plus strand (G>C on the coding strand, the complement: FRRS1L is on the minus strand). VCF-style: chr9-109147108-C-G. GRCh37 (hg19) VCF-style: chr9-111909388-C-G.
Other names: short protein forms E135D.
Identifiers: ClinVar variation 960036 (VCV000960036.10), dbSNP rs768643434, ClinGen allele CA374426847.